The following is an entry in ClinVar:

NM_001267550.2(TTN):c.90827dup (p.Cys30276fs)

Genes: TTN (titin; minus strand), TTN-AS1 (TTN antisense RNA 1; plus strand). Cytogenetic location: 2q31.2.
Variant type: Duplication.
Coding change: c.90827dup on transcript NM_001267550.2 (MANE Select); coding-DNA position 90827, one base duplicated (G; older notation c.90827dupG).
Protein change: p.Cys30276fs; shifts the reading frame from cysteine 30276.
Molecular consequence: frameshift variant.
Genome position (GRCh38, 1-based): chr2:178,552,073, C duplicated on the plus strand (G on the coding strand, the reverse complement: TTN is on the minus strand). VCF-style (leftmost placement, unchanged base first): chr2-178552072-A-AC. GRCh37 (hg19) VCF-style: chr2-179416799-A-AC.
Other names: c.85904dup, p.Cys28635fs (NM_001256850.1); c.63632dup, p.Cys21211fs (NM_003319.4); c.83123dup, p.Cys27708fs (NM_133378.4); c.64007dup, p.Cys21336fs (NM_133432.3); c.64208dup, p.Cys21403fs (NM_133437.4); c.63632dupG (NM_003319.4); short protein forms C21336fs, C21403fs, C27708fs, C28635fs, C21211fs, C30276fs.
Identifiers: ClinVar variation 2451884 (VCV002451884.2), dbSNP rs2469276710, ClinGen allele CA2580064572.
Genomic context (GRCh38, chr2:178,552,072, plus strand): 5'-CTGGTACTCAGCATCTTTGACTAGATTAGGAACTTTGAAAGTCGTTCTGGCAACACTTGA[A>AC]CACACCATCTTCCAGTTAGTTTGTGAAGTTTCCCGCTTCTCGATGCTGTAACAAGTAATT-3'

ClinVar aggregate classification (germline): Likely pathogenic (1 of 4 stars; one submission).

Conditions:
Cardiovascular phenotype. Identifiers: MedGen CN230736.

Submission:

Ambry Genetics
Classification: Likely pathogenic for Cardiovascular phenotype. Last evaluated: 2023-01-05. Review status: criteria provided, single submitter. Criteria: Ambry Variant Classification Scheme 2023. Collection method: clinical testing. Allele origin: germline.
Comment: The c.63632dupG variant, located in coding exon 162 of the TTN gene, results from a duplication of G at nucleotide position 63632, causing a translational frameshift with a predicted alternate stop codon (p.C21211Wfs*13). This exon is located in the A-band region of the N2-B isoform of the titin protein and is constitutively expressed in TTN transcripts (percent spliced in or PSI 100%). This variant is considered to be rare based on population cohorts in the Genome Aggregation Database (gnomAD). This alteration is expected to result in loss of function by premature protein truncation or nonsense-mediated mRNA decay. While truncating variants in TTN are present in 1-3% of the general population, truncating variants in the A-band are the most common cause of dilated cardiomyopathy (DCM) (Herman DS et al. N. Engl. J. Med., 2012 Feb;366:619-28; Roberts AM et al. Sci Transl Med, 2015 Jan;7:270ra6). TTN truncating variants encoded in constitutive exons (PSI >90%) have been found to be significantly associated with DCM regardless of their position in titin (Schafer S et al. Nat. Genet., 2017 01;49:46-53). Based on the majority of available evidence to date, this variant is likely to be pathogenic.